The following is an entry in ClinVar:

NM_001939.3(DRP2):c.1817A>T (p.His606Leu)

Gene: DRP2 (dystrophin related protein 2; plus strand). Cytogenetic location: Xq22.1.
Variant type: single nucleotide variant.
Coding change: c.1817A>T on transcript NM_001939.3 (MANE Select); coding-DNA position 1817, A replaced by T.
Protein change: p.His606Leu; replaces histidine 606 with leucine.
Molecular consequence: missense variant.
Genome position (GRCh38, 1-based): chrX:101,251,035, A>T. VCF-style: chrX-101251035-A-T. GRCh37 (hg19) VCF-style: chrX-100506024-A-T.
Other names: c.1583A>T, p.His528Leu (NM_001171184.2); short protein forms H528L, H606L.
Identifiers: ClinVar variation 4776941 (VCV004776941.1).

ClinVar aggregate classification (germline): Uncertain significance (1 of 4 stars; one submission).

Submission:

Labcorp Genetics (formerly Invitae), Labcorp
Classification: Uncertain significance. Last evaluated: 2025-11-05. Review status: criteria provided, single submitter. Criteria: Invitae Variant Classification Sherloc (09022015). Collection method: clinical testing. Allele origin: germline.
Comment: This sequence change replaces histidine, which is basic and polar, with leucine, which is neutral and non-polar, at codon 606 of the DRP2 protein (p.His606Leu). This variant is not present in population databases (gnomAD no frequency). This variant has not been reported in the literature in individuals affected with DRP2-related conditions. Invitae Evidence Modeling of protein sequence and biophysical properties (such as structural, functional, and spatial information, amino acid conservation, physicochemical variation, residue mobility, and thermodynamic stability) indicates that this missense variant is expected to disrupt DRP2 protein function with a positive predictive value of 80%. In summary, the available evidence is currently insufficient to determine the role of this variant in disease. Therefore, it has been classified as a Variant of Uncertain Significance.